The following is an entry in ClinVar:

NM_002693.3(POLG):c.1205C>A (p.Ala402Asp)

Gene: POLG (DNA polymerase gamma, catalytic subunit; minus strand). Cytogenetic location: 15q26.1.
Variant type: single nucleotide variant.
Coding change: c.1205C>A on transcript NM_002693.3 (MANE Select); coding-DNA position 1205, C replaced by A.
Protein change: p.Ala402Asp; replaces alanine 402 with aspartic acid.
Molecular consequence: missense variant.
Genome position (GRCh38, 1-based): chr15:89,328,501, G>T on the plus strand (C>A on the coding strand, the complement: POLG is on the minus strand). VCF-style: chr15-89328501-G-T. GRCh37 (hg19) VCF-style: chr15-89871732-G-T.
Other names: c.1205C>A, p.Ala402Asp (NM_001126131.2); short protein forms A402D.
Identifiers: ClinVar variation 5008788 (VCV005008788.1).

ClinVar aggregate classification (germline): Uncertain significance (1 of 4 stars; one submission).

Submission:

GeneDx
Classification: Uncertain significance. Last evaluated: 2026-03-07. Review status: criteria provided, single submitter. Criteria: GeneDx Variant Classification Process June 2021. Collection method: clinical testing. Allele origin: germline.
Comment: Not observed at significant frequency in large population cohorts (gnomAD); In silico analysis supports that this missense variant has a deleterious effect on protein structure/function; Has not been previously published as pathogenic or benign to our knowledge